The following is an entry in ClinVar:

NM_005476.7(GNE):c.386G>A (p.Arg129Gln)

Gene: GNE (glucosamine (UDP-N-acetyl)-2-epimerase/N-acetylmannosamine kinase; minus strand). Cytogenetic location: 9p13.3.
Variant type: single nucleotide variant.
Coding change: c.386G>A on transcript NM_005476.7 (MANE Select); coding-DNA position 386, G replaced by A.
Protein change: p.Arg129Gln; replaces arginine 129 with glutamine.
Molecular consequence: missense variant.
Genome position (GRCh38, 1-based): chr9:36,246,261, C>T on the plus strand (G>A on the coding strand, the complement: GNE is on the minus strand). VCF-style: chr9-36246261-C-T. GRCh37 (hg19) VCF-style: chr9-36246258-C-T.
Other names: c.479G>A, p.Arg160Gln (NM_001128227.3); c.386G>A, p.Arg129Gln (NM_001190383.3, NM_001374797.1); c.209G>A, p.Arg70Gln (NM_001190384.3, NM_001190388.2, NM_001374798.1); short protein forms R160Q, R129Q, R70Q.
Identifiers: ClinVar variation 189156 (VCV000189156.17), dbSNP rs748704459, ClinGen allele CA274432.

ClinVar aggregate classification (germline): Pathogenic/Likely pathogenic. Review status: criteria provided, multiple submitters, no conflicts (2 of 4 stars). 5 submissions from 5 submitters: Pathogenic (2); Likely pathogenic (2). 1 of the submissions does not count toward it. Last evaluated 2025-11-21.

Conditions:
Sialuria. Also called: SIALURIA, FRENCH TYPE; Sialic Acid Storage Disease. Identifiers: Orphanet 3166, MedGen C0342853, MONDO:0010028, OMIM 269921.
Thrombocytopenia 12 with or without myopathy (THC12). Identifiers: MedGen C5935593, MONDO:0958325, OMIM 620757.
GNE myopathy (NM). Also called: NONAKA DISTAL MYOPATHY; INCLUSION BODY MYOPATHY, HEREDITARY, AUTOSOMAL RECESSIVE; INCLUSION BODY MYOPATHY 2, AUTOSOMAL RECESSIVE; IBM 2; Inclusion body myopathy autosomal recessive; Inclusion body myopathy quadriceps sparing. Identifiers: Orphanet 602, MedGen C1853926, MONDO:0011603, OMIM 605820.

Allele frequency attached by ClinVar (database versions not stated): gnomAD exomes 0.00001 and below 0.00001; ExAC 0.00001.

Submissions (5):

Myriad Genetics, Inc.
Classification: Likely pathogenic for GNE myopathy. Last evaluated: 2025-11-21. Review status: criteria provided, single submitter. Criteria: Myriad Autosomal Dominant, Autosomal Recessive and X-Linked Classification Criteria (2023). Collection method: clinical testing. Allele origin: unknown.
Comment: NM_001128227.2(GNE):c.479G>A(R160Q) is a missense variant classified as likely pathogenic in the context of GNE myopathy. R160Q has been observed in cases with relevant disease (PMID: 35438352, 24027297, 16372135, 39332896, 35933247, 24695763). Relevant functional assessments of this variant are not available in the literature. R160Q has been observed in referenced population frequency databases. In summary, NM_001128227.2(GNE):c.479G>A(R160Q) is a missense variant that has been observed more frequently in cases with the relevant disease than in healthy populations. Please note: this variant was assessed in the context of healthy population screening.

Fulgent Genetics
Classification: Likely pathogenic for Sialuria; GNE myopathy; Thrombocytopenia 12 with or without myopathy. Last evaluated: 2024-06-01. Review status: criteria provided, single submitter. Criteria: ACMG Guidelines, 2015. Collection method: clinical testing. Allele origin: germline.

Women's Health and Genetics/Laboratory Corporation of America, LabCorp
Classification: Pathogenic for GNE myopathy. Last evaluated: 2024-05-30. Review status: criteria provided, single submitter. Criteria: LabCorp Variant Classification Summary - May 2015. Collection method: clinical testing. Allele origin: germline.
Comment: Variant summary: GNE c.479G>A (p.Arg160Gln) results in a conservative amino acid change located in the UDP-N-acetylglucosamine 2-epimerase domain (IPR003331) of the encoded protein sequence. Three of five in-silico tools predict a damaging effect of the variant on protein function. The variant allele was found at a frequency of 4e-06 in 251360 control chromosomes. c.479G>A has been reported in the literature in compound heterozygous individuals affected with Inclusion Body Myopathy 2 (Chaouch_2014, Granger_2022, Mori-Yoshimura_2012, Tomimitsu_2004, Guo_2022). These data indicate that the variant is very likely to be associated with disease. At least one publication reports experimental evidence evaluating an impact on protein function. The most pronounced variant effect results in hyposialylation in human pluripotent stem cells (hPSCs) (Park_2022). The following publications have been ascertained in the context of this evaluation (PMID: 24695763, 35933247, 35438352, 16372135, 22507750, 35202935, 15136692). ClinVar contains an entry for this variant (Variation ID: 189156). Based on the evidence outlined above, the variant was classified as pathogenic.

Labcorp Genetics (formerly Invitae), Labcorp
Classification: Pathogenic for Sialuria; GNE myopathy. Last evaluated: 2023-03-17. Review status: criteria provided, single submitter. Criteria: Invitae Variant Classification Sherloc (09022015). Collection method: clinical testing. Allele origin: germline.
Comment: This variant is also known as p.Arg129Gln. For these reasons, this variant has been classified as Pathogenic. Advanced modeling of protein sequence and biophysical properties (such as structural, functional, and spatial information, amino acid conservation, physicochemical variation, residue mobility, and thermodynamic stability) has been performed at Invitae for this missense variant, however the output from this modeling did not meet the statistical confidence thresholds required to predict the impact of this variant on GNE protein function. ClinVar contains an entry for this variant (Variation ID: 189156). This missense change has been observed in individual(s) with GNE myopathy/distal myopathy with rimmed vacuoles (PMID: 15136692, 16372135, 22507750, 23127962, 24695763). In at least one individual the data is consistent with being in trans (on the opposite chromosome) from a pathogenic variant. This variant is present in population databases (rs748704459, gnomAD 0.0009%). This sequence change replaces arginine, which is basic and polar, with glutamine, which is neutral and polar, at codon 160 of the GNE protein (p.Arg160Gln).

Counsyl
Classification: Likely pathogenic for Inclusion body myopathy 2. Last evaluated: 2015-01-26. Review status: no assertion criteria provided. Collection method: literature only. Allele origin: unknown. Inheritance: Autosomal recessive inheritance. Not counted in ClinVar's aggregate classification.

Literature cited by the submitters: PubMed 16372135 (cited by 4 submitters); PubMed 24027297 (cited by Myriad Genetics, Inc.); PubMed 24695763 (cited by 4 submitters); PubMed 35438352 (cited by Myriad Genetics, Inc. and Women's Health and Genetics/Laboratory Corporation of America, LabCorp); PubMed 35933247 (cited by Myriad Genetics, Inc. and Women's Health and Genetics/Laboratory Corporation of America, LabCorp); PubMed 39332896 (cited by Myriad Genetics, Inc.); PubMed 22507750 (cited by 3 submitters); PubMed 35202935 (cited by Women's Health and Genetics/Laboratory Corporation of America, LabCorp); PubMed 15136692 (cited by 3 submitters); PubMed 23127962 (cited by Labcorp Genetics (formerly Invitae), Labcorp and Counsyl); PubMed 19917666 (cited by Counsyl).